The following is an entry in ClinVar:

NM_198576.4(AGRN):c.4977-6C>T

Gene: AGRN (agrin; plus strand). Cytogenetic location: 1p36.33.
Variant type: single nucleotide variant.
Coding change: c.4977-6C>T on transcript NM_198576.4 (MANE Select); 6 bases into the intron before coding-DNA position 4977, C replaced by T.
Molecular consequence: intron variant.
Genome position (GRCh38, 1-based): chr1:1,050,421, C>T. VCF-style: chr1-1050421-C-T. GRCh37 (hg19) VCF-style: chr1-985801-C-T.
Other names: c.4977-6C>T (NM_001305275.2); c.4662-6C>T (NM_001364727.2).
Identifiers: ClinVar variation 3058623 (VCV003058623.2), dbSNP rs2522787076, ClinGen allele CA2642492240.

ClinVar aggregate classification (germline): Likely benign (0 of 4 stars; one submission).

Conditions:
AGRN-related disorder. Also called: AGRN-related condition.

Allele frequency attached by ClinVar (database versions not stated): gnomAD exomes below 0.00001.
gnomAD v4.1: 2 of 1,612,862 alleles (0.00012%); highest among the groups gnomAD compares: Non-Finnish European, 0.000085%; no homozygotes.

Submission:

PreventionGenetics, part of Exact Sciences
Classification: Likely benign for AGRN-related condition. Last evaluated: 2019-02-20. Review status: no assertion criteria provided. Collection method: clinical testing. Allele origin: germline.
Comment: This variant is classified as likely benign based on ACMG/AMP sequence variant interpretation guidelines (Richards et al. 2015 PMID: 25741868, with internal and published modifications).